The following is an entry in ClinVar:

NM_018896.5(CACNA1G):c.1187C>T (p.Thr396Met)

Gene: CACNA1G (calcium voltage-gated channel subunit alpha1 G; plus strand). Cytogenetic location: 17q21.33.
Variant type: single nucleotide variant.
Coding change: c.1187C>T on transcript NM_018896.5 (MANE Select); coding-DNA position 1187, C replaced by T.
Protein change: p.Thr396Met; replaces threonine 396 with methionine.
Molecular consequence: missense variant. On other transcripts: non-coding transcript variant (5).
Genome position (GRCh38, 1-based): chr17:50,575,589, C>T. VCF-style: chr17-50575589-C-T. GRCh37 (hg19) VCF-style: chr17-48652950-C-T.
Other names: c.1187C>T, p.Thr396Met (NM_001256324.2, NM_001256325.2, NM_001256326.2 and 24 more transcripts); short protein forms T396M.
Identifiers: ClinVar variation 4086331 (VCV004086331.1).

ClinVar aggregate classification (germline): Uncertain significance (1 of 4 stars; one submission).

gnomAD v4.1: 7 of 1,613,368 alleles (0.00043%); highest among the groups gnomAD compares: Non-Finnish European, 0.00059%; no homozygotes.

Submission:

GeneDx
Classification: Uncertain significance. Last evaluated: 2025-03-17. Review status: criteria provided, single submitter. Criteria: GeneDx Variant Classification Process June 2021. Collection method: clinical testing. Allele origin: germline. Affected: yes.
Comment: Not observed at significant frequency in large population cohorts (gnomAD); In silico analysis supports that this missense variant has a deleterious effect on protein structure/function; Has not been previously published as pathogenic or benign to our knowledge